The following is an entry in ClinVar:

ClinVar aggregate classification (germline): Likely benign (0 of 4 stars; one submission).

Conditions:
HNRNPU-related disorder. Also called: HNRNPU-related condition.

Allele frequency attached by ClinVar (database versions not stated): gnomAD exomes below 0.00001; TOPMed below 0.00001.

Submission:

PreventionGenetics, part of Exact Sciences
Classification: Likely benign for HNRNPU-related condition. Last evaluated: 2019-03-18. Review status: no assertion criteria provided. Collection method: clinical testing. Allele origin: germline.
Comment: This variant is classified as likely benign based on ACMG/AMP sequence variant interpretation guidelines (Richards et al. 2015 PMID: 25741868, with internal and published modifications).

NM_031844.3(HNRNPU):c.1308G>A (p.Lys436=)

Gene: HNRNPU (heterogeneous nuclear ribonucleoprotein U; minus strand). Cytogenetic location: 1q44.
Variant type: single nucleotide variant.
Coding change: c.1308G>A on transcript NM_031844.3 (MANE Select); coding-DNA position 1308, G replaced by A.
Protein change: p.Lys436=; no amino-acid change (lysine 436 retained).
Molecular consequence: synonymous variant.
Genome position (GRCh38, 1-based): chr1:244,858,197, C>T on the plus strand (G>A on the coding strand, the complement: HNRNPU is on the minus strand). VCF-style: chr1-244858197-C-T. GRCh37 (hg19) VCF-style: chr1-245021499-C-T.
Other names: c.1251G>A, p.Lys417= (NM_004501.3).
Identifiers: ClinVar variation 3057608 (VCV003057608.2), dbSNP rs1273195912, ClinGen allele CA424402389.